The following is an entry in ClinVar:

NM_000444.6(PHEX):c.1174-1G>A

Gene: PHEX (phosphate regulating endopeptidase X-linked; plus strand). Cytogenetic location: Xp22.11.
Variant type: single nucleotide variant.
Coding change: c.1174-1G>A on transcript NM_000444.6 (MANE Select); the canonical splice acceptor site of the intron before coding-DNA position 1174, G replaced by A.
Molecular consequence: splice acceptor variant.
Genome position (GRCh38, 1-based): chrX:22,114,457, G>A. VCF-style: chrX-22114457-G-A. GRCh37 (hg19) VCF-style: chrX-22132575-G-A.
Other names: c.1174-1G>A (NM_001282754.2).
Identifiers: ClinVar variation 1075411 (VCV001075411.10), dbSNP rs2147065556, ClinGen allele CA412573292.
Genomic context (GRCh38, chrX:22,114,457, plus strand): 5'-TTGTTTTCAGCCATGGGTTTTATCCAAATGAAGTTTAATCTGGATCAATTATCTCCCACA[G>A]GTAATCCAGGGGACCACAACTTTGCTGCCTCAATGGGACAAATGTGTAAACTTTATTGAA-3'

ClinVar aggregate classification (germline): Pathogenic. Review status: criteria provided, multiple submitters, no conflicts (2 of 4 stars). 2 submissions from 2 submitters: Pathogenic (2). Last evaluated 2023-12-09.

Conditions:
Familial X-linked hypophosphatemic vitamin D refractory rickets (XLHRD). Also called: HYPOPHOSPHATEMIC VITAMIN D-RESISTANT RICKETS; X-Linked Hypophosphatemia; Hypophosphatemia, vitamin D-resistant rickets; Vitamin D-resistant rickets, X-linked; Hypophosphatemic Rickets, X-Linked Dominant. Identifiers: Orphanet 89936, MedGen C0733682, MONDO:0010619, OMIM 307800.

Submissions (2):

Labcorp Genetics (formerly Invitae), Labcorp
Classification: Pathogenic. Last evaluated: 2023-12-09. Review status: criteria provided, single submitter. Criteria: Invitae Variant Classification Sherloc (09022015). Collection method: clinical testing. Allele origin: germline.
Comment: This sequence change affects an acceptor splice site in intron 10 of the PHEX gene. It is expected to disrupt RNA splicing. Variants that disrupt the donor or acceptor splice site typically lead to a loss of protein function (PMID: 16199547), and loss-of-function variants in PHEX are known to be pathogenic (PMID: 9097956, 9106524, 19219621). This variant is not present in population databases (gnomAD no frequency). Disruption of this splice site has been observed in individuals with hypophosphatemia (PMID: 18162710, 27840894). ClinVar contains an entry for this variant (Variation ID: 1075411). Algorithms developed to predict the effect of sequence changes on RNA splicing suggest that this variant may disrupt the consensus splice site. For these reasons, this variant has been classified as Pathogenic.

Mendelics
Classification: Pathogenic for Familial X-linked hypophosphatemic vitamin D refractory rickets. Last evaluated: 2022-05-04. Review status: criteria provided, single submitter. Criteria: Mendelics Assertion Criteria 2019. Collection method: clinical testing. Allele origin: germline.

Literature cited by the submitters: PubMed 16199547 (cited by Labcorp Genetics (formerly Invitae), Labcorp); PubMed 9097956 (cited by Labcorp Genetics (formerly Invitae), Labcorp); PubMed 9106524 (cited by Labcorp Genetics (formerly Invitae), Labcorp); PubMed 19219621 (cited by Labcorp Genetics (formerly Invitae), Labcorp); PubMed 18162710 (cited by Labcorp Genetics (formerly Invitae), Labcorp); PubMed 27840894 (cited by Labcorp Genetics (formerly Invitae), Labcorp).